The following is an entry in ClinVar:

NM_002317.7(LOX):c.632-10T>C

Genes: LOX (lysyl oxidase; minus strand), SRFBP1 (serum response factor binding protein 1; plus strand). Cytogenetic location: 5q23.1.
Variant type: single nucleotide variant.
Coding change: c.632-10T>C on transcript NM_002317.7 (MANE Select); 10 bases into the intron before coding-DNA position 632, T replaced by C.
Molecular consequence: intron variant. On other transcripts: 5 prime UTR variant (1).
Genome position (GRCh38, 1-based): chr5:122,077,011, A>G on the plus strand (T>C on the coding strand, the complement: LOX is on the minus strand). VCF-style: chr5-122077011-A-G. GRCh37 (hg19) VCF-style: chr5-121412706-A-G.
Other names: c.-69T>C (NM_001178102.2); c.-152+81T>C (NM_001317073.1).
Identifiers: ClinVar variation 1915430 (VCV001915430.6), dbSNP rs372387691, ClinGen allele CA3383977.

ClinVar aggregate classification (germline): Conflicting classifications of pathogenicity. Review status: criteria provided, conflicting classifications (1 of 4 stars). 2 submissions from 2 submitters: Uncertain significance (1); Likely benign (1). Last evaluated 2022-10-21.

Allele frequency attached by ClinVar (database versions not stated): ExAC 0.00001; gnomAD 0.00001; TOPMed 0.00001; gnomAD exomes 0.00002; ESP Exome Variant Server 0.00008.
gnomAD v4.1: 24 of 1,612,320 alleles (0.0015%); highest among the groups gnomAD compares: Non-Finnish European, 0.002%; 1 homozygote.

Submissions (2):

Labcorp Genetics (formerly Invitae), Labcorp
Classification: Uncertain significance. Last evaluated: 2022-10-21. Review status: criteria provided, single submitter. Criteria: Invitae Variant Classification Sherloc (09022015). Collection method: clinical testing. Allele origin: germline.
Comment: In summary, the available evidence is currently insufficient to determine the role of this variant in disease. Therefore, it has been classified as a Variant of Uncertain Significance. Algorithms developed to predict the effect of sequence changes on RNA splicing suggest that this variant may disrupt the consensus splice site. This variant has not been reported in the literature in individuals affected with LOX-related conditions. This variant is present in population databases (rs372387691, gnomAD 0.002%). This sequence change falls in intron 1 of the LOX gene. It does not directly change the encoded amino acid sequence of the LOX protein.

Blueprint Genetics
Classification: Likely benign. Last evaluated: 2021-07-06. Review status: criteria provided, single submitter. Criteria: ACMG Guidelines, 2015. Collection method: clinical testing. Allele origin: germline.